The following is an entry in ClinVar:

NM_000550.3(TYRP1):c.716dup (p.Leu239fs)

Gene: TYRP1 (tyrosinase related protein 1; plus strand). Cytogenetic location: 9p23.
Variant type: Duplication.
Coding change: c.716dup on transcript NM_000550.3 (MANE Select); coding-DNA position 716, one base duplicated (T; older notation c.716dupT).
Protein change: p.Leu239fs; shifts the reading frame from leucine 239.
Molecular consequence: frameshift variant.
Genome position (GRCh38, 1-based): chr9:12,698,458, T duplicated; the last of 2 consecutive T bases (chr9:12,698,457-12,698,458); duplicating either gives the same sequence. VCF-style (leftmost placement, unchanged base first): chr9-12698456-G-GT. GRCh37 (hg19) VCF-style: chr9-12698456-G-GT.
Other names: short protein forms L239fs.
Identifiers: ClinVar variation 2019995 (VCV002019995.4), dbSNP rs1818111993, ClinGen allele CA1121427558.

ClinVar aggregate classification (germline): Pathogenic (1 of 4 stars; one submission).

Submission:

Labcorp Genetics (formerly Invitae), Labcorp
Classification: Pathogenic. Last evaluated: 2022-07-30. Review status: criteria provided, single submitter. Criteria: Invitae Variant Classification Sherloc (09022015). Collection method: clinical testing. Allele origin: germline.
Comment: This variant is not present in population databases (gnomAD no frequency). This variant has not been reported in the literature in individuals affected with TYRP1-related conditions. For these reasons, this variant has been classified as Pathogenic. This sequence change creates a premature translational stop signal (p.Leu239Phefs*21) in the TYRP1 gene. It is expected to result in an absent or disrupted protein product. Loss-of-function variants in TYRP1 are known to be pathogenic (PMID: 8651291, 9345097).

Literature cited by the submitters: PubMed 8651291; PubMed 9345097.